The following is an entry in ClinVar:

ClinVar aggregate classification (germline): Uncertain significance (1 of 4 stars; one submission).

Conditions:
Symmetrical dyschromatosis of extremities (DSH). Also called: Dyschromatosis symmetrica hereditaria; DYSCHROMATOSIS SYMMETRICA HEREDITARIA 1; RETICULATE ACROPIGMENTATION OF DOHI; SYMMETRIC DYSCHROMATOSIS OF THE EXTREMITIES. Identifiers: Orphanet 41, MedGen C0406775, MONDO:0007483, OMIM 127400.
Aicardi-Goutieres syndrome 6 (AGS6). Identifiers: Orphanet 51, MedGen C3539013, MONDO:0014007, OMIM 615010.

Submission:

Labcorp Genetics (formerly Invitae), Labcorp
Classification: Uncertain significance for Aicardi-Goutieres syndrome 6; Symmetrical dyschromatosis of extremities. Last evaluated: 2022-08-23. Review status: criteria provided, single submitter. Criteria: Invitae Variant Classification Sherloc (09022015). Collection method: clinical testing. Allele origin: germline.
Comment: Algorithms developed to predict the effect of missense changes on protein structure and function (SIFT, PolyPhen-2, Align-GVGD) all suggest that this variant is likely to be tolerated. Algorithms developed to predict the effect of sequence changes on RNA splicing suggest that this variant may create or strengthen a splice site. In summary, the available evidence is currently insufficient to determine the role of this variant in disease. Therefore, it has been classified as a Variant of Uncertain Significance. ClinVar contains an entry for this variant (Variation ID: 959107). This variant is not present in population databases (gnomAD no frequency). This variant has not been reported in the literature in individuals affected with ADAR-related conditions. This sequence change replaces lysine, which is basic and polar, with glutamic acid, which is acidic and polar, at codon 443 of the ADAR protein (p.Lys443Glu).

NM_001111.5(ADAR):c.1327A>G (p.Lys443Glu)

Gene: ADAR (adenosine deaminase RNA specific; minus strand). Cytogenetic location: 1q21.3.
Variant type: single nucleotide variant.
Coding change: c.1327A>G on transcript NM_001111.5 (MANE Select); coding-DNA position 1327, A replaced by G.
Protein change: p.Lys443Glu; replaces lysine 443 with glutamic acid.
Molecular consequence: missense variant.
Genome position (GRCh38, 1-based): chr1:154,601,315, T>C on the plus strand (A>G on the coding strand, the complement: ADAR is on the minus strand). VCF-style: chr1-154601315-T-C. GRCh37 (hg19) VCF-style: chr1-154573791-T-C.
Other names: c.442A>G, p.Lys148Glu (NM_001025107.3, NM_001193495.2, NM_001365046.1 and 3 more transcripts); c.1354A>G, p.Lys452Glu (NM_001365045.1); c.1327A>G, p.Lys443Glu (NM_015840.4, NM_015841.4); short protein forms K148E, K452E, K443E.
Identifiers: ClinVar variation 959107 (VCV000959107.9), dbSNP rs1697857226, ClinGen allele CA342596855.